The following is an entry in ClinVar:

ClinVar aggregate classification (germline): Uncertain significance (1 of 4 stars; one submission).

Submission:

ISCA site 15
Classification: Uncertain significance. Last evaluated: 2011-08-12. Review status: criteria provided, single submitter. Criteria: Kaminsky et al. (Genet Med. 2011). Collection method: clinical testing. Allele origin: maternal. Affected: yes. Observed: 1 variant allele.
Comment: Copy number variation identified through the course of routine clinical cytogenomic testing in postnatal populations. Clinical assertions have been curated as described in Kaminsky et al. 2011.

GRCh38/hg38 Xq26.3(chrX:137781164-138221806)x2

Variant type: copy number gain.
Change: copy number 2 of chrX:137,781,164-138,221,806 (440.6 kb, GRCh38 coordinates, 1-based), cytogenetic band Xq26.3.
Identifiers: ClinVar variation 60371 (VCV000060371.1).